The following is an entry in ClinVar:

NM_015046.7(SETX):c.2724G>T (p.Lys908Asn)

Gene: SETX (senataxin; minus strand). Cytogenetic location: 9q34.13.
Variant type: single nucleotide variant.
Coding change: c.2724G>T on transcript NM_015046.7 (MANE Select); coding-DNA position 2724, G replaced by T.
Protein change: p.Lys908Asn; replaces lysine 908 with asparagine.
Molecular consequence: missense variant.
Genome position (GRCh38, 1-based): chr9:132,328,874, C>A on the plus strand (G>T on the coding strand, the complement: SETX is on the minus strand). VCF-style: chr9-132328874-C-A. GRCh37 (hg19) VCF-style: chr9-135204261-C-A.
Other names: c.2724G>T, p.Lys908Asn (NM_001351527.2, NM_001351528.2); short protein forms K908N.
Identifiers: ClinVar variation 1795224 (VCV001795224.2), dbSNP rs1564543686, ClinGen allele CA375334178.

ClinVar aggregate classification (germline): Uncertain significance (1 of 4 stars; one submission).

Conditions:
Inborn genetic diseases. Identifiers: MedGen C0950123, MeSH D030342.

gnomAD v4.1: 1 of 1,613,940 alleles (0.000062%); no homozygotes.

Submission:

Ambry Genetics
Classification: Uncertain significance for Inborn genetic diseases. Last evaluated: 2021-07-12. Review status: criteria provided, single submitter. Criteria: Ambry Variant Classification Scheme 2023. Collection method: clinical testing. Allele origin: germline.
Comment: The p.K908N variant (also known as c.2724G>T), located in coding exon 8 of the SETX gene, results from a G to T substitution at nucleotide position 2724. The lysine at codon 908 is replaced by asparagine, an amino acid with similar properties. This amino acid position is not well conserved in available vertebrate species, and asparagine is the reference amino acid in other vertebrate species. In addition, this alteration is predicted to be tolerated by in silico analysis. Since supporting evidence is limited at this time, the clinical significance of this alteration remains unclear.